The following is an entry in ClinVar:

NM_001289808.2(CRYAB):c.275A>G (p.Lys92Arg)

Gene: CRYAB (crystallin alpha B; minus strand). Cytogenetic location: 11q23.1.
Variant type: single nucleotide variant.
Coding change: c.275A>G on transcript NM_001289808.2 (MANE Select); coding-DNA position 275, A replaced by G.
Protein change: p.Lys92Arg; replaces lysine 92 with arginine.
Molecular consequence: missense variant.
Genome position (GRCh38, 1-based): chr11:111,910,376, T>C on the plus strand (A>G on the coding strand, the complement: CRYAB is on the minus strand). VCF-style: chr11-111910376-T-C. GRCh37 (hg19) VCF-style: chr11-111781100-T-C.
Other names: c.275A>G, p.Lys92Arg (NM_001289807.1, NM_001368245.1, NM_001885.3); c.74A>G, p.Lys25Arg (NM_001330379.1, NM_001368246.1); short protein forms K25R, K92R.
Identifiers: ClinVar variation 643345 (VCV000643345.11), dbSNP rs1256600488, ClinGen allele CA382599230.

ClinVar aggregate classification (germline): Uncertain significance. Review status: criteria provided, multiple submitters, no conflicts (2 of 4 stars). 3 submissions from 3 submitters: Uncertain significance (3). Last evaluated 2025-10-07.

Conditions:
Dilated cardiomyopathy 1II (CMD1II). Identifiers: Orphanet 154, MedGen C3554649, MONDO:0014073, OMIM 615184.
Cataract 16 multiple types. Also called: CATARACT 16, POSTERIOR POLAR; CATARACT, CONGENITAL LAMELLAR; CATARACT 16, CONGENITAL LAMELLAR. Identifiers: Orphanet 91492, Orphanet 98992, Orphanet 98993, Orphanet 98995, MedGen C3808377, MONDO:0013411, OMIM 613763.
Fatal infantile hypertonic myofibrillar myopathy (MFM2B). Also called: MFM, FATAL INFANTILE HYPERTONIC, ALPHA-B CRYSTALLIN-RELATED; MYOPATHY, MYOFIBRILLAR, 2B, INFANTILE-ONSET. Identifiers: Orphanet 280553, MedGen C5190691, MONDO:0013472, OMIM 613869.
Myofibrillar myopathy 2. Also called: MYOPATHY, MYOFIBRILLAR, 2A, ADULT-ONSET; MYOPATHY, DESMIN-RELATED, ASSOCIATED WITH MUTATION IN THE CRYAB GENE; MYOPATHY, MYOFIBRILLAR, ALPHA-B CRYSTALLIN-RELATED; MYOPATHY, MYOFIBRILLAR, WITH OR WITHOUT CATARACT AND/OR CARDIOMYOPATHY. Identifiers: Orphanet 280553, Orphanet 399058, MedGen C1837317, MONDO:0012130.

Allele frequency attached by ClinVar (database versions not stated): gnomAD exomes below 0.00001; TOPMed 0.00002; gnomAD 0.00003 and 0.00004.
gnomAD v4.1: 8 of 1,614,102 alleles (0.0005%); highest among the groups gnomAD compares: African/African-American, 0.0093%; no homozygotes.

Submissions (3):

Labcorp Genetics (formerly Invitae), Labcorp
Classification: Uncertain significance for Dilated cardiomyopathy 1II. Last evaluated: 2025-10-07. Review status: criteria provided, single submitter. Criteria: Invitae Variant Classification Sherloc (09022015). Collection method: clinical testing. Allele origin: germline.
Comment: This sequence change replaces lysine, which is basic and polar, with arginine, which is basic and polar, at codon 92 of the CRYAB protein (p.Lys92Arg). This variant is present in population databases (no rsID available, gnomAD 0.007%). This variant has not been reported in the literature in individuals affected with CRYAB-related conditions. ClinVar contains an entry for this variant (Variation ID: 643345). An algorithm developed to predict the effect of missense changes on protein structure and function (PolyPhen-2) suggests that this variant is likely to be disruptive. In summary, the available evidence is currently insufficient to determine the role of this variant in disease. Therefore, it has been classified as a Variant of Uncertain Significance.

AiLife Diagnostics
Classification: Uncertain significance. Last evaluated: 2022-02-21. Review status: criteria provided, single submitter. Criteria: ACMG Guidelines, 2015. Collection method: clinical testing. Allele origin: germline. Affected: yes. Observed: 1 variant allele.

Fulgent Genetics
Classification: Uncertain significance for Cataract 16 multiple types; Fatal infantile hypertonic myofibrillar myopathy; Dilated cardiomyopathy 1II. Last evaluated: 2021-11-04. Review status: criteria provided, single submitter. Criteria: ACMG Guidelines, 2015. Collection method: clinical testing. Allele origin: unknown.